The following is an entry in ClinVar:

ClinVar aggregate classification (germline): Likely benign (1 of 4 stars; one submission).

Submission:

CeGaT Center for Human Genetics Tuebingen
Classification: Likely benign. Last evaluated: 2026-04-01. Review status: criteria provided, single submitter. Criteria: CeGaT Center For Human Genetics Tuebingen Variant Classification Criteria Version 2. Collection method: clinical testing. Allele origin: germline. Affected: yes. Observed: 1 variant allele.
Comment: TLR4: BP4, BP7

NM_138554.5(TLR4):c.789T>C (p.Phe263=)

Gene: TLR4 (toll like receptor 4; plus strand). Cytogenetic location: 9q33.1.
Variant type: single nucleotide variant.
Coding change: c.789T>C on transcript NM_138554.5 (MANE Select); coding-DNA position 789, T replaced by C.
Protein change: p.Phe263=; no amino-acid change (phenylalanine 263 retained).
Molecular consequence: synonymous variant.
Genome position (GRCh38, 1-based): chr9:117,712,917, T>C. VCF-style: chr9-117712917-T-C. GRCh37 (hg19) VCF-style: chr9-120475195-T-C.
Other names: c.669T>C, p.Phe223= (NM_003266.4); c.189T>C, p.Phe63= (NM_138557.3).
Identifiers: ClinVar variation 4873286 (VCV004873286.2).